The following is an entry in ClinVar:

ClinVar aggregate classification (germline): Uncertain significance (1 of 4 stars; one submission).

Conditions:
Inborn genetic diseases. Identifiers: MedGen C0950123, MeSH D030342.

gnomAD v4.1: 14 of 1,614,094 alleles (0.00087%); highest among the groups gnomAD compares: African/African-American, 0.0027%; no homozygotes.

Submission:

Ambry Genetics
Classification: Uncertain significance for Inborn genetic diseases. Last evaluated: 2025-01-20. Review status: criteria provided, single submitter. Criteria: Ambry Variant Classification Scheme 2023. Collection method: clinical testing. Allele origin: germline.
Comment: The p.R549Q variant (also known as c.1646G>A), located in coding exon 7 of the SH2B3 gene, results from a G to A substitution at nucleotide position 1646. The arginine at codon 549 is replaced by glutamine, an amino acid with highly similar properties. This amino acid position is conserved. In addition, this alteration is predicted to be tolerated by in silico analysis. Based on the available evidence, the clinical significance of this variant remains unclear.

NM_005475.3(SH2B3):c.1646G>A (p.Arg549Gln)

Gene: SH2B3 (SH2B adaptor protein 3; plus strand). Cytogenetic location: 12q24.12.
Variant type: single nucleotide variant.
Coding change: c.1646G>A on transcript NM_005475.3 (MANE Select); coding-DNA position 1646, G replaced by A.
Protein change: p.Arg549Gln; replaces arginine 549 with glutamine.
Molecular consequence: missense variant.
Genome position (GRCh38, 1-based): chr12:111,448,220, G>A. VCF-style: chr12-111448220-G-A. GRCh37 (hg19) VCF-style: chr12-111886024-G-A.
Other names: c.1040G>A, p.Arg347Gln (NM_001291424.1); short protein forms R347Q, R549Q.
Identifiers: ClinVar variation 3795125 (VCV003795125.1).